The following is an entry in ClinVar:

ClinVar aggregate classification (germline): Uncertain significance (1 of 4 stars; one submission).

Submission:

Women's Health and Genetics/Laboratory Corporation of America, LabCorp
Classification: Uncertain significance. Last evaluated: 2024-10-08. Review status: criteria provided, single submitter. Criteria: LabCorp Variant Classification Summary - May 2015. Collection method: clinical testing. Allele origin: germline.
Comment: Variant summary: SYT1 c.316G>A (p.Asp106Asn) results in a conservative amino acid change in the encoded protein sequence. Four of five in-silico tools predict a benign effect of the variant on protein function. The variant was absent in 249502 control chromosomes. The available data on variant occurrences in the general population are insufficient to allow any conclusion about variant significance. To our knowledge, no occurrence of c.316G>A in individuals affected with Infantile Hypotonia-Oculomotor Anomalies-Hyperkinetic Movements-Developmental Delay Syndrome and no experimental evidence demonstrating its impact on protein function have been reported. No submitters have cited clinical-significance assessments for this variant to ClinVar. Based on the evidence outlined above, the variant was classified as uncertain significance.

NM_005639.3(SYT1):c.316G>A (p.Asp106Asn)

Gene: SYT1 (synaptotagmin 1; plus strand). Cytogenetic location: 12q21.2.
Variant type: single nucleotide variant.
Coding change: c.316G>A on transcript NM_005639.3 (MANE Select); coding-DNA position 316, G replaced by A.
Protein change: p.Asp106Asn; replaces aspartic acid 106 with asparagine.
Molecular consequence: missense variant.
Genome position (GRCh38, 1-based): chr12:79,285,936, G>A. VCF-style: chr12-79285936-G-A. GRCh37 (hg19) VCF-style: chr12-79679716-G-A.
Other names: c.316G>A, p.Asp106Asn (NM_001135805.2, NM_001135806.2, NM_001291901.2 and 6 more transcripts); short protein forms D106N.
Identifiers: ClinVar variation 3384838 (VCV003384838.1).
Genomic context (GRCh38, chr12:79,285,936, plus strand): 5'-AAAAAGAAAAACAAGAAGAAGGGAAAGGAAAAAGGAGGGAAGAATGCCATTAACATGAAA[G>A]ATGTAAAAGACTTAGGGAAGACGATGAAAGATCAGGTAATGTATTCTTTCTACATTTCTT-3'
Protein context (NP_005630.1, residues 96-116): KGGKNAINMK[Asp106Asn]VKDLGKTMKD